The following is an entry in ClinVar:

NM_153717.3(EVC):c.1928G>A (p.Arg643His)

Gene: EVC (EvC ciliary complex subunit 1; plus strand). Cytogenetic location: 4p16.2.
Variant type: single nucleotide variant.
Coding change: c.1928G>A on transcript NM_153717.3 (MANE Select); coding-DNA position 1928, G replaced by A.
Protein change: p.Arg643His; replaces arginine 643 with histidine.
Molecular consequence: missense variant.
Genome position (GRCh38, 1-based): chr4:5,797,063, G>A. VCF-style: chr4-5797063-G-A. GRCh37 (hg19) VCF-style: chr4-5798790-G-A.
Other names: c.1928G>A, p.Arg643His (NM_001306090.2); c.1928G>A (NM_153717.2); short protein forms R643H.
Identifiers: ClinVar variation 194445 (VCV000194445.12), dbSNP rs144906677, ClinGen allele CA240400.

ClinVar aggregate classification (germline): Conflicting classifications of pathogenicity. Review status: criteria provided, conflicting classifications (1 of 4 stars). 4 submissions from 4 submitters: Uncertain significance (3); Likely benign (1). Last evaluated 2026-03-12.

Conditions:
Inborn genetic diseases. Identifiers: MedGen C0950123, MeSH D030342.
Ellis-van Creveld syndrome (EVC). Also called: MESOECTODERMAL DYSPLASIA; Chondroectodermal dysplasia. Identifiers: Orphanet 289, MedGen C0013903, MONDO:0009162, OMIM 225500.
Curry-Hall syndrome (WAD). Also called: WEYERS ACRODENTAL DYSOSTOSIS. Identifiers: Orphanet 952, MedGen C0457013, MONDO:0008673, OMIM 193530.

Allele frequency attached by ClinVar (database versions not stated): gnomAD exomes 0.00004 and 0.00008; ExAC 0.00008; 1000 Genomes Project 30x 0.00016; 1000 Genomes Project 0.00020; ESP Exome Variant Server 0.00023; gnomAD 0.00029; TOPMed 0.00035.
gnomAD v4.1: 89 of 1,613,418 alleles (0.0055%); highest among the groups gnomAD compares: African/African-American, 0.084%; no homozygotes.

Submissions (4):

GeneDx
Classification: Uncertain significance. Last evaluated: 2026-03-12. Review status: criteria provided, single submitter. Criteria: GeneDx Variant Classification Process June 2021. Collection method: clinical testing. Allele origin: germline.
Comment: In silico analysis suggests that this missense variant does not alter protein structure/function; Has not been previously published as pathogenic or benign to our knowledge

Labcorp Genetics (formerly Invitae), Labcorp
Classification: Likely benign for Curry-Hall syndrome; Ellis-van Creveld syndrome. Last evaluated: 2026-01-18. Review status: criteria provided, single submitter. Criteria: Invitae Variant Classification Sherloc (09022015). Collection method: clinical testing. Allele origin: germline.

Ambry Genetics
Classification: Uncertain significance for Inborn genetic diseases. Last evaluated: 2025-03-24. Review status: criteria provided, single submitter. Criteria: Ambry Variant Classification Scheme 2023. Collection method: clinical testing. Allele origin: germline.

Eurofins Ntd Llc (ga)
Classification: Uncertain significance. Last evaluated: 2015-02-10. Review status: criteria provided, single submitter. Criteria: EGL Classification Definitions 2015. Collection method: clinical testing. Allele origin: germline. Observed: 1 variant allele, 1 heterozygote.